The following is an entry in ClinVar:

NM_001089.3(ABCA3):c.80T>C (p.Leu27Pro)

Gene: ABCA3 (ATP binding cassette subfamily A member 3; minus strand). Cytogenetic location: 16p13.3.
Variant type: single nucleotide variant.
Coding change: c.80T>C on transcript NM_001089.3 (MANE Select); coding-DNA position 80, T replaced by C.
Protein change: p.Leu27Pro; replaces leucine 27 with proline.
Molecular consequence: missense variant.
Genome position (GRCh38, 1-based): chr16:2,326,249, A>G on the plus strand (T>C on the coding strand, the complement: ABCA3 is on the minus strand). VCF-style: chr16-2326249-A-G. GRCh37 (hg19) VCF-style: chr16-2376250-A-G.
Other names: short protein forms L27P.
Identifiers: ClinVar variation 1762002 (VCV001762002.2), dbSNP rs2505677808, ClinGen allele CA394352984.

ClinVar aggregate classification (germline): Uncertain significance (1 of 4 stars; one submission).

Conditions:
Hereditary pulmonary alveolar proteinosis. Also called: Pulmonary surfactant metabolism dysfunction. Identifiers: Orphanet 264675, MedGen C3711368, MONDO:0012580.

Submission:

Ambry Genetics
Classification: Uncertain significance for Hereditary pulmonary alveolar proteinosis. Last evaluated: 2017-10-09. Review status: criteria provided, single submitter. Criteria: Ambry Variant Classification Scheme 2023. Collection method: clinical testing. Allele origin: germline.
Comment: The p.L27P variant (also known as c.80T>C), located in coding exon 2 of the ABCA3 gene, results from a T to C substitution at nucleotide position 80. The leucine at codon 27 is replaced by proline, an amino acid with similar properties. This amino acid position is not well conserved in available vertebrate species. In addition, this alteration is predicted to be deleterious by in silico analysis. Since supporting evidence is limited at this time, the clinical significance of this alteration remains unclear.